The following is an entry in ClinVar:

ClinVar aggregate classification (germline): Uncertain significance (1 of 4 stars; one submission).

Conditions:
DOCK2 deficiency. Also called: Immunodeficiency 40. Identifiers: Orphanet 447737, MedGen C4225328, MONDO:0014637, OMIM 616433.

Submission:

Labcorp Genetics (formerly Invitae), Labcorp
Classification: Uncertain significance for DOCK2 deficiency. Last evaluated: 2022-10-17. Review status: criteria provided, single submitter. Criteria: Invitae Variant Classification Sherloc (09022015). Collection method: clinical testing. Allele origin: germline.
Comment: In summary, the available evidence is currently insufficient to determine the role of this variant in disease. Therefore, it has been classified as a Variant of Uncertain Significance. Algorithms developed to predict the effect of missense changes on protein structure and function are either unavailable or do not agree on the potential impact of this missense change (SIFT: "Tolerated"; PolyPhen-2: "Possibly Damaging"; Align-GVGD: "Class C0"). ClinVar contains an entry for this variant (Variation ID: 1513779). This variant has not been reported in the literature in individuals affected with DOCK2-related conditions. This variant is not present in population databases (gnomAD no frequency). This sequence change replaces tyrosine, which is neutral and polar, with cysteine, which is neutral and slightly polar, at codon 209 of the DOCK2 protein (p.Tyr209Cys).

NM_004946.3(DOCK2):c.626A>G (p.Tyr209Cys)

Gene: DOCK2 (dedicator of cytokinesis 2; plus strand). Cytogenetic location: 5q35.1.
Variant type: single nucleotide variant.
Coding change: c.626A>G on transcript NM_004946.3 (MANE Select); coding-DNA position 626, A replaced by G.
Protein change: p.Tyr209Cys; replaces tyrosine 209 with cysteine.
Molecular consequence: missense variant. On other transcripts: non-coding transcript variant (1).
Genome position (GRCh38, 1-based): chr5:169,684,215, A>G. VCF-style: chr5-169684215-A-G. GRCh37 (hg19) VCF-style: chr5-169111219-A-G.
Other names: short protein forms Y209C.
Identifiers: ClinVar variation 1513779 (VCV001513779.8), dbSNP rs2113368496, ClinGen allele CA362103501.